The following is an entry in ClinVar:

NM_002128.7(HMGB1):c.195A>G (p.Lys65=)

Gene: HMGB1 (high mobility group box 1; minus strand). Cytogenetic location: 13q12.3.
Variant type: single nucleotide variant.
Coding change: c.195A>G on transcript NM_002128.7 (MANE Select); coding-DNA position 195, A replaced by G.
Protein change: p.Lys65=; no amino-acid change (lysine 65 retained).
Molecular consequence: synonymous variant.
Genome position (GRCh38, 1-based): chr13:30,463,308, T>C on the plus strand (A>G on the coding strand, the complement: HMGB1 is on the minus strand). VCF-style: chr13-30463308-T-C. GRCh37 (hg19) VCF-style: chr13-31037445-T-C.
Other names: c.195A>G, p.Lys65= (NM_001313892.2, NM_001313893.1, NM_001363661.2 and 3 more transcripts).
Identifiers: ClinVar variation 3056340 (VCV003056340.2), dbSNP rs983723, ClinGen allele CA6933963.

ClinVar aggregate classification (germline): Benign (0 of 4 stars; one submission).

Conditions:
HMGB1-related disorder. Also called: HMGB1-related condition.

Allele frequency attached by ClinVar (database versions not stated): gnomAD exomes 0.00728; ExAC 0.02340; gnomAD 0.07431; ESP Exome Variant Server 0.07712; 1000 Genomes Project 0.07967; TOPMed 0.08322; 1000 Genomes Project 30x 0.08557.
gnomAD v4.1: 22,391 of 1,609,224 alleles (1.4%); highest among the groups gnomAD compares: African/African-American, 26%; 2,520 homozygotes.

Submission:

PreventionGenetics, part of Exact Sciences
Classification: Benign for HMGB1-related condition. Last evaluated: 2024-05-14. Review status: no assertion criteria provided. Collection method: clinical testing. Allele origin: germline.
Comment: This variant is classified as benign based on ACMG/AMP sequence variant interpretation guidelines (Richards et al. 2015 PMID: 25741868, with internal and published modifications).